The following is an entry in ClinVar:

NM_000179.3(MSH6):c.4068G>A (p.Leu1356=)

Gene: MSH6 (mutS homolog 6; plus strand). Cytogenetic location: 2p16.3.
Variant type: single nucleotide variant.
Coding change: c.4068G>A on transcript NM_000179.3 (MANE Select); coding-DNA position 4068, G replaced by A.
Protein change: p.Leu1356=; no amino-acid change (leucine 1356 retained).
Molecular consequence: synonymous variant.
Genome position (GRCh38, 1-based): chr2:47,806,845, G>A. VCF-style: chr2-47806845-G-A. GRCh37 (hg19) VCF-style: chr2-48033984-G-A.
Other names: c.3678G>A, p.Leu1226= (NM_001281492.2); c.3162G>A, p.Leu1054= (NM_001281493.2, NM_001281494.2).
Identifiers: ClinVar variation 187324 (VCV000187324.26), dbSNP rs192740549, ClinGen allele CA015408.
Genomic context (GRCh38, chr2:47,806,845, plus strand): 5'-TTGCCTGGCTAGTGAAAGGTCAACTGTAGATGCTGAAGCTGTCCATAAATTGCTGACTTT[G>A]ATTAAGGAATTATAGACTGACTACATTGGAAGCTTTGAGTTGACTTCTGACAAAGGTGGT-3'
Protein context (NP_000170.1, residues 1346-1360): DAEAVHKLLT[Leu1356=]IKEL

ClinVar aggregate classification (germline): Conflicting classifications of pathogenicity. Review status: criteria provided, conflicting classifications (1 of 4 stars). 7 submissions from 7 submitters: Uncertain significance (1); Benign (1); Likely benign (4). 1 of the submissions does not count toward it. Last evaluated 2025-09-14.

Conditions:
Hereditary nonpolyposis colorectal neoplasms. Identifiers: MedGen C0009405, MeSH D003123.
MSH6-related disorder. Also called: MSH6-related condition; MSH6-Related disorders.
Hereditary cancer-predisposing syndrome. Also called: Neoplastic Syndromes, Hereditary; Tumor predisposition; Hereditary Cancer Syndrome; Hereditary neoplastic syndrome. Identifiers: Orphanet 140162, MedGen C0027672, MeSH D009386, MONDO:0015356.
Lynch syndrome 5 (LYNCH5). Also called: Colorectal cancer, hereditary nonpolyposis, type 5; Hereditary non-polyposis colorectal cancer, type 5. Identifiers: Orphanet 144, MedGen C1833477, MONDO:0013710, OMIM 614350. Disease mechanism: loss of function.

Allele frequency attached by ClinVar (database versions not stated): ESP Exome Variant Server 0.00008.
gnomAD v4.1: 3 of 1,610,684 alleles (0.00019%); highest among the groups gnomAD compares: Non-Finnish European, 0.00025%; no homozygotes.

Submissions (7):

Labcorp Genetics (formerly Invitae), Labcorp
Classification: Likely benign for Hereditary nonpolyposis colorectal neoplasms. Last evaluated: 2025-09-14. Review status: criteria provided, single submitter. Criteria: Invitae Variant Classification Sherloc (09022015). Collection method: clinical testing. Allele origin: germline.

Myriad Genetics, Inc.
Classification: Benign for Lynch syndrome 5. Last evaluated: 2025-01-09. Review status: criteria provided, single submitter. Criteria: Myriad Autosomal Dominant, Autosomal Recessive and X-Linked Classification Criteria (2023). Collection method: clinical testing. Allele origin: unknown.
Comment: This variant is considered benign. This variant is a silent/synonymous amino acid change and it is not expected to impact splicing.

GeneDx
Classification: Uncertain significance. Last evaluated: 2022-02-28. Review status: criteria provided, single submitter. Criteria: GeneDx Variant Classification Process June 2021. Collection method: clinical testing. Allele origin: germline. Affected: yes.
Comment: Not observed at significant frequency in large population cohorts (gnomAD); In silico analysis supports that this variant does not alter splicing; Has not been previously published as pathogenic or benign to our knowledge

Genetic Services Laboratory, University of Chicago
Classification: Likely benign. Last evaluated: 2021-04-23. Review status: criteria provided, single submitter. Criteria: ACMG Guidelines, 2015. Collection method: clinical testing. Allele origin: germline. Affected: no.

Color Diagnostics, LLC DBA Color Health
Classification: Likely benign for Hereditary cancer-predisposing syndrome. Last evaluated: 2017-08-10. Review status: criteria provided, single submitter. Criteria: ACMG Guidelines, 2015. Collection method: clinical testing. Allele origin: germline.

Ambry Genetics
Classification: Likely benign for Hereditary cancer-predisposing syndrome. Last evaluated: 2014-11-26. Review status: criteria provided, single submitter. Criteria: Ambry Variant Classification Scheme 2023. Collection method: clinical testing. Allele origin: germline.

PreventionGenetics, part of Exact Sciences
Classification: Likely benign for MSH6-related condition. Last evaluated: 2020-09-29. Review status: no assertion criteria provided. Collection method: clinical testing. Allele origin: germline. Not counted in ClinVar's aggregate classification.
Comment: This variant is classified as likely benign based on ACMG/AMP sequence variant interpretation guidelines (Richards et al. 2015 PMID: 25741868, with internal and published modifications).